The following is an entry in ClinVar:

ClinVar aggregate classification (germline): Likely benign (1 of 4 stars; one submission).

Allele frequency attached by ClinVar (database versions not stated): gnomAD exomes 0.00001; TOPMed 0.00001; ExAC 0.00002.
gnomAD v4.1: 7 of 1,613,362 alleles (0.00043%); highest among the groups gnomAD compares: Admixed American, 0.0083%; no homozygotes.

Submission:

CeGaT Center for Human Genetics Tuebingen
Classification: Likely benign. Last evaluated: 2022-04-01. Review status: criteria provided, single submitter. Criteria: CeGaT Center For Human Genetics Tuebingen Variant Classification Criteria Version 2. Collection method: clinical testing. Allele origin: germline. Affected: yes. Observed: 1 variant allele.
Comment: SATB1: BP4, BP7

NM_002971.6(SATB1):c.255C>T (p.Asn85=)

Gene: SATB1 (SATB homeobox 1; minus strand). Cytogenetic location: 3p24.3.
Variant type: single nucleotide variant.
Coding change: c.255C>T on transcript NM_002971.6 (MANE Select); coding-DNA position 255, C replaced by T.
Protein change: p.Asn85=; no amino-acid change (asparagine 85 retained).
Molecular consequence: synonymous variant.
Genome position (GRCh38, 1-based): chr3:18,417,035, G>A on the plus strand (C>T on the coding strand, the complement: SATB1 is on the minus strand). VCF-style: chr3-18417035-G-A. GRCh37 (hg19) VCF-style: chr3-18458527-G-A.
Other names: c.255C>T, p.Asn85= (NM_001131010.4, NM_001195470.3, NM_001322871.2 and 4 more transcripts); c.39C>T, p.Asn13= (NM_001322876.2).
Identifiers: ClinVar variation 2653618 (VCV002653618.24), dbSNP rs749293960, ClinGen allele CA2282252.